The following is an entry in ClinVar:

NM_025103.4(IFT74):c.1463C>T (p.Pro488Leu)

Gene: IFT74 (intraflagellar transport 74; plus strand). Cytogenetic location: 9p21.2.
Variant type: single nucleotide variant.
Coding change: c.1463C>T on transcript NM_025103.4 (MANE Select); coding-DNA position 1463, C replaced by T.
Protein change: p.Pro488Leu; replaces proline 488 with leucine.
Molecular consequence: missense variant.
Genome position (GRCh38, 1-based): chr9:27,055,738, C>T. VCF-style: chr9-27055738-C-T. GRCh37 (hg19) VCF-style: chr9-27055736-C-T.
Other names: c.1463C>T, p.Pro488Leu (NM_001099222.3, NM_001099223.3, NM_001349928.2); c.1463C>T (NM_025103.2); short protein forms P488L.
Identifiers: ClinVar variation 2144892 (VCV002144892.6), dbSNP rs377552808, ClinGen allele CA5015673.
Genomic context (GRCh38, chr9:27,055,738, plus strand): 5'-ATTCTCTAAAAAGCAAAATTAAGCAAATGACAACTGATCTGGAGATATATAATGATTTGC[C>T]AGCTTTAAAATCATCAGGTGAAGAAAAGATAAAGGTAAATGTTAACCAAGTCTTACAGAA-3'
Protein context (NP_079379.2, residues 478-498): TTDLEIYNDL[Pro488Leu]ALKSSGEEKI

ClinVar aggregate classification (germline): Likely benign. Review status: criteria provided, single submitter (1 of 4 stars). 2 submissions from 2 submitters: Likely benign (1). 1 of the submissions does not count toward it. Last evaluated 2026-01-01.

Conditions:
IFT74-related disorder. Also called: IFT74-related condition; IFT74-Related Disorders.

Allele frequency attached by ClinVar (database versions not stated): gnomAD 0.00009; gnomAD exomes 0.00014; 1000 Genomes Project 30x 0.00016; 1000 Genomes Project 0.00020; ExAC 0.00030.
gnomAD v4.1: 197 of 1,560,856 alleles (0.013%); highest among the groups gnomAD compares: South Asian, 0.24%; 2 homozygotes.

Submissions (2):

Labcorp Genetics (formerly Invitae), Labcorp
Classification: Likely benign. Last evaluated: 2026-01-01. Review status: criteria provided, single submitter. Criteria: Invitae Variant Classification Sherloc (09022015). Collection method: clinical testing. Allele origin: germline.

PreventionGenetics, part of Exact Sciences
Classification: Likely benign for IFT74-related condition. Last evaluated: 2023-02-09. Review status: no assertion criteria provided. Collection method: clinical testing. Allele origin: germline. Not counted in ClinVar's aggregate classification.
Comment: This variant is classified as likely benign based on ACMG/AMP sequence variant interpretation guidelines (Richards et al. 2015 PMID: 25741868, with internal and published modifications).